The following is an entry in ClinVar:

NM_015570.4(AUTS2):c.3708GAC[1] (p.Thr1238del)

Gene: AUTS2 (activator of transcription and developmental regulator AUTS2; plus strand). Cytogenetic location: 7q11.22.
Variant type: Microsatellite.
Coding change: c.3708GAC[1] on transcript NM_015570.4 (MANE Select); one copy of the 3-base unit GAC starting at c.3708; the reference has two copies in a row; one copy, 3 bases deleted.
Protein change: p.Thr1238del; deletes threonine 1238.
Molecular consequence: inframe deletion.
Genome position (GRCh38, 1-based): chr7:70,790,927-70,790,929, GAC deleted; deleting any 3 consecutive bases within chr7:70,790,924-70,790,929 gives the same sequence; the position shown is the placement nearest the transcript's 3' end. VCF-style (leftmost placement, unchanged base first): chr7-70790923-GGAC-G. GRCh37 (hg19) VCF-style: chr7-70255909-GGAC-G.
Other names: c.3636GAC[1], p.Thr1214del (NM_001127231.3); c.3711_3713delGAC (NM_015570.4); short protein forms T1214del, T1238del.
Identifiers: ClinVar variation 1528786 (VCV001528786.9), dbSNP rs1354737257, ClinGen allele CA841729163.

ClinVar aggregate classification (germline): Conflicting classifications of pathogenicity. Review status: criteria provided, conflicting classifications (1 of 4 stars). 2 submissions from 2 submitters: Uncertain significance (1); Likely benign (1). Last evaluated 2024-08-22.

Submissions (2):

Women's Health and Genetics/Laboratory Corporation of America, LabCorp
Classification: Uncertain significance. Last evaluated: 2024-08-22. Review status: criteria provided, single submitter. Criteria: LabCorp Variant Classification Summary - May 2015. Collection method: clinical testing. Allele origin: germline.
Comment: Variant summary: AUTS2 c.3711_3713delGAC (p.Thr1238del) results in an in-frame deletion that is predicted to remove one amino acid from the encoded protein. The variant was absent in 198034 control chromosomes (gnomAD). The available data on variant occurrences in the general population are insufficient to allow any conclusion about variant significance. To our knowledge, no occurrence of c.3711_3713delGAC in individuals affected with Autism Spectrum Disorder Due To AUTS2 Deficiency and no experimental evidence demonstrating its impact on protein function have been reported. ClinVar contains an entry for this variant (Variation ID: 1528786). Based on the evidence outlined above, the variant was classified as uncertain significance.

Labcorp Genetics (formerly Invitae), Labcorp
Classification: Likely benign. Last evaluated: 2022-06-05. Review status: criteria provided, single submitter. Criteria: Invitae Variant Classification Sherloc (09022015). Collection method: clinical testing. Allele origin: germline.